The following is an entry in ClinVar:

NM_001271.4(CHD2):c.947dup (p.Tyr316Ter)

Gene: CHD2 (chromodomain helicase DNA binding protein 2; plus strand). Cytogenetic location: 15q26.1.
Variant type: Duplication.
Coding change: c.947dup on transcript NM_001271.4 (MANE Select); coding-DNA position 947, one base duplicated (A; older notation c.947dupA).
Protein change: p.Tyr316Ter; replaces tyrosine 316 with a stop codon.
Molecular consequence: nonsense.
Genome position (GRCh38, 1-based): chr15:92,942,963, A duplicated. VCF-style (leftmost placement, unchanged base first): chr15-92942962-T-TA. GRCh37 (hg19) VCF-style: chr15-93486192-T-TA.
Other names: c.947dupA (NM_001271.3); c.947dup, p.Tyr316Ter (NM_001042572.3); short protein forms Y316*.
Identifiers: ClinVar variation 449905 (VCV000449905.3), dbSNP rs1555439545, ClinGen allele CA658658324.

ClinVar aggregate classification (germline): Pathogenic/Likely pathogenic. Review status: criteria provided, multiple submitters, no conflicts (2 of 4 stars). 2 submissions from 2 submitters: Pathogenic (1); Likely pathogenic (1). Last evaluated 2025-02-20.

Conditions:
Intellectual disability. Also called: Intellectual developmental disorder; Intellectual functioning disability; intellectual disabilities. Identifiers: MedGen C3714756, MeSH D008607, MONDO:0001071, HP:0001249.

Submissions (2):

GeneDx
Classification: Pathogenic. Last evaluated: 2025-02-20. Review status: criteria provided, single submitter. Criteria: GeneDx Variant Classification Process June 2021. Collection method: clinical testing. Allele origin: germline. Affected: yes.
Comment: Nonsense variant predicted to result in protein truncation or nonsense mediated decay in a gene for which loss of function is a known mechanism of disease; Not observed at significant frequency in large population cohorts (gnomAD); Has not been previously published as pathogenic or benign to our knowledge

Diagnostic Laboratory, Strasbourg University Hospital
Classification: Likely pathogenic for Intellectual disability. Last evaluated: 2020-09-10. Review status: criteria provided, single submitter. Criteria: ACMG Guidelines, 2015. Collection method: clinical testing. Allele origin: de novo. Affected: yes. Observed: 1 heterozygote.